The following is an entry in ClinVar:

ClinVar aggregate classification (germline): Uncertain significance. Review status: criteria provided, multiple submitters, no conflicts (2 of 4 stars). 2 submissions from 2 submitters: Uncertain significance (2). Last evaluated 2025-03-07.

Conditions:
Early-infantile DEE. Also called: Early infantile epileptic encephalopathy with suppression bursts; Early infantile epileptic encephalopathy; Ohtahara syndrome. Identifiers: Orphanet 1934, MedGen C0393706, MONDO:0800491.

Allele frequency attached by ClinVar (database versions not stated): gnomAD 0.00001; gnomAD exomes below 0.00001; TOPMed below 0.00001.
gnomAD v4.1: 7 of 1,611,518 alleles (0.00043%); highest among the groups gnomAD compares: Non-Finnish European, 0.00059%; no homozygotes.

Submissions (2):

GeneDx
Classification: Uncertain significance. Last evaluated: 2025-03-07. Review status: criteria provided, single submitter. Criteria: GeneDx Variant Classification Process June 2021. Collection method: clinical testing. Allele origin: germline. Affected: yes.
Comment: Not observed at significant frequency in large population cohorts (gnomAD); In silico analysis is inconclusive as to whether the variant alters gene splicing. In the absence of RNA/functional studies, the actual effect of this sequence change is unknown.; Has not been previously published as pathogenic or benign to our knowledge

Labcorp Genetics (formerly Invitae), Labcorp
Classification: Uncertain significance for Early-infantile DEE. Last evaluated: 2021-10-24. Review status: criteria provided, single submitter. Criteria: Invitae Variant Classification Sherloc (09022015). Collection method: clinical testing. Allele origin: germline.
Comment: In summary, the available evidence is currently insufficient to determine the role of this variant in disease. Therefore, it has been classified as a Variant of Uncertain Significance. Variants that disrupt the consensus splice site are a relatively common cause of aberrant splicing (PMID: 17576681, 9536098). Algorithms developed to predict the effect of sequence changes on RNA splicing suggest that this variant may disrupt the consensus splice site. This variant has not been reported in the literature in individuals affected with SCN8A-related conditions. This variant is not present in population databases (ExAC no frequency). This sequence change falls in intron 6 of the SCN8A gene. It does not directly change the encoded amino acid sequence of the SCN8A protein. It affects a nucleotide within the consensus splice site of the intron.

Literature cited by the submitters: PubMed 17576681 (cited by Labcorp Genetics (formerly Invitae), Labcorp); PubMed 9536098 (cited by Labcorp Genetics (formerly Invitae), Labcorp).

NM_001330260.2(SCN8A):c.615-151G>T

Gene: SCN8A (sodium voltage-gated channel alpha subunit 8; plus strand). Cytogenetic location: 12q13.13.
Variant type: single nucleotide variant.
Coding change: c.615-151G>T on transcript NM_001330260.2 (MANE Select); 151 bases into the intron before coding-DNA position 615, G replaced by T.
Molecular consequence: intron variant.
Genome position (GRCh38, 1-based): chr12:51,688,854, G>T. VCF-style: chr12-51688854-G-T. GRCh37 (hg19) VCF-style: chr12-52082638-G-T.
Other names: c.706+5G>T (NM_014191.4, NM_001177984.3); c.615-151G>T (NM_001369788.1).
Identifiers: ClinVar variation 1372325 (VCV001372325.8), dbSNP rs1941461790, ClinGen allele CA947637430.
Genomic context (GRCh38, chr12:51,688,854, plus strand): 5'-AGCTCTACGCACTTTCAGGGTACTGAGGGCTTTGAAAACTATTTCGGTAATCCCAGGTAA[G>T]ATGGTCCGGGGTTGGTGTTAGGTGTTGGGATAGGGCCCTGACGTGACGTATTGTACTTTT-3'